The following is an entry in ClinVar:

NM_031935.3(HMCN1):c.1080T>A (p.Asp360Glu)

Gene: HMCN1 (hemicentin 1; plus strand). Cytogenetic location: 1q31.1.
Variant type: single nucleotide variant.
Coding change: c.1080T>A on transcript NM_031935.3 (MANE Select); coding-DNA position 1080, T replaced by A.
Protein change: p.Asp360Glu; replaces aspartic acid 360 with glutamic acid.
Molecular consequence: missense variant.
Genome position (GRCh38, 1-based): chr1:185,923,448, T>A. VCF-style: chr1-185923448-T-A. GRCh37 (hg19) VCF-style: chr1-185892580-T-A.
Other names: short protein forms D360E.
Identifiers: ClinVar variation 3670472 (VCV003670472.2).

ClinVar aggregate classification (germline): Uncertain significance (1 of 4 stars; one submission).

Submission:

Labcorp Genetics (formerly Invitae), Labcorp
Classification: Uncertain significance. Last evaluated: 2024-06-22. Review status: criteria provided, single submitter. Criteria: Invitae Variant Classification Sherloc (09022015). Collection method: clinical testing. Allele origin: germline.
Comment: This sequence change replaces aspartic acid, which is acidic and polar, with glutamic acid, which is acidic and polar, at codon 360 of the HMCN1 protein (p.Asp360Glu). This variant is not present in population databases (gnomAD no frequency). This variant has not been reported in the literature in individuals affected with HMCN1-related conditions. An algorithm developed to predict the effect of missense changes on protein structure and function (PolyPhen-2) suggests that this variant is likely to be disruptive. In summary, the available evidence is currently insufficient to determine the role of this variant in disease. Therefore, it has been classified as a Variant of Uncertain Significance.